The following is an entry in ClinVar:

NM_201253.3(CRB1):c.2549_2552del (p.Gly850fs)

Gene: CRB1 (crumbs cell polarity complex component 1; plus strand). Cytogenetic location: 1q31.3.
Variant type: Deletion.
Coding change: c.2549_2552del on transcript NM_201253.3 (MANE Select); coding-DNA positions 2549 to 2552, 4 bases deleted (GCTG; older notation c.2549_2552delGCTG).
Protein change: p.Gly850fs; shifts the reading frame from glycine 850.
Molecular consequence: frameshift variant. On other transcripts: non-coding transcript variant (2), intron variant (1).
Genome position (GRCh38, 1-based): chr1:197,427,874-197,427,877, GCTG deleted; deleting any 4 consecutive bases within chr1:197,427,873-197,427,877 gives the same sequence; the c. name uses the placement nearest the transcript's 3' end. VCF-style (leftmost placement, unchanged base first): chr1-197427872-AGGCT-A. GRCh37 (hg19) VCF-style: chr1-197397002-AGGCT-A.
Other names: c.2213_2216del, p.Gly738fs (NM_001193640.2); c.2342_2345del, p.Gly781fs (NM_001257965.2); c.2128+5918_2128+5921del (NM_001257966.2); short protein forms G738fs, G781fs, G850fs.
Identifiers: ClinVar variation 99882 (VCV000099882.3), dbSNP rs62636270, ClinGen allele CA228012.

ClinVar aggregate classification (germline): Likely pathogenic. Review status: criteria provided, multiple submitters, no conflicts (2 of 4 stars). 3 submissions from 3 submitters: Likely pathogenic (2). 1 of the submissions does not count toward it. Last evaluated 2019-08-29.

Conditions:
Leber congenital amaurosis 8 (LCA8). Identifiers: Orphanet 65, MedGen C3151202, MONDO:0013453, OMIM 613835.
CRB1-related disorder. Also called: CRB1-related disorders; CRB1-related condition.

Submissions (3):

Blueprint Genetics
Classification: Likely pathogenic for CRB1-related disorders. Last evaluated: 2019-08-29. Review status: criteria provided, single submitter. Criteria: ACMG Guidelines, 2015. Collection method: clinical testing. Allele origin: germline. Affected: yes. Observed: 1 variant allele.

Broad Center for Mendelian Genomics, Broad Institute of MIT and Harvard
Classification: Likely pathogenic for Leber congenital amaurosis 8. Last evaluated: 2018-12-03. Review status: criteria provided, single submitter. Criteria: ACMG Guidelines, 2015. Collection method: research. Allele origin: germline. Inheritance: Autosomal recessive inheritance. Affected: yes.
Comment: The heterozygous p.Gly850ValfsTer5 variant in CRB1 was identified by our study in the compound heterozygous state, confirmed in trans with a likely pathogenic variant, in two siblings with Leber congenital amaurosis. The p.Gly850ValfsTer5 variant in CRB1 has not been previously reported in individuals with Leber Congenital Amaurosis and was absent from large population studies. This variant is predicted to cause a frameshift, which alters the protein's amino acid sequence beginning at position 850 and leads to a premature termination codon 5 amino acids downstream. This alteration is then predicted to lead to a truncated or absent protein. Loss of function of the CRB1 gene is an established disease mechanism for Leber Congenital Amaurosis. In summary, although additional studies are required to fully establish its clinical significance, this variant is likely pathogenic. Criteria applied: PM2, PVS1 (Richards 2015).

Retina International
No classification provided. Review status: no classification provided. Collection method: not provided. Allele origin: not provided. Not counted in ClinVar's aggregate classification.